The following is an entry in ClinVar:

NM_001013838.3(CARMIL2):c.3431G>A (p.Arg1144His)

Gene: CARMIL2 (capping protein regulator and myosin 1 linker 2; plus strand). Cytogenetic location: 16q22.1.
Variant type: single nucleotide variant.
Coding change: c.3431G>A on transcript NM_001013838.3 (MANE Select); coding-DNA position 3431, G replaced by A.
Protein change: p.Arg1144His; replaces arginine 1144 with histidine.
Molecular consequence: missense variant.
Genome position (GRCh38, 1-based): chr16:67,654,541, G>A. VCF-style: chr16-67654541-G-A. GRCh37 (hg19) VCF-style: chr16-67688444-G-A.
Other names: c.3323G>A, p.Arg1108His (NM_001317026.3); short protein forms R1108H, R1144H.
Identifiers: ClinVar variation 2160820 (VCV002160820.4), dbSNP rs764001517, ClinGen allele CA8114012.

ClinVar aggregate classification (germline): Uncertain significance (1 of 4 stars; one submission).

Allele frequency attached by ClinVar (database versions not stated): ExAC 0.00001; gnomAD exomes 0.00001.
gnomAD v4.1: 7 of 1,612,050 alleles (0.00043%); highest among the groups gnomAD compares: South Asian, 0.0022%; no homozygotes.

Submission:

Labcorp Genetics (formerly Invitae), Labcorp
Classification: Uncertain significance. Last evaluated: 2021-12-29. Review status: criteria provided, single submitter. Criteria: Invitae Variant Classification Sherloc (09022015). Collection method: clinical testing. Allele origin: germline.
Comment: Algorithms developed to predict the effect of missense changes on protein structure and function are either unavailable or do not agree on the potential impact of this missense change (SIFT: "Tolerated"; PolyPhen-2: "Probably Damaging"; Align-GVGD: "Class C0"). This sequence change replaces arginine, which is basic and polar, with histidine, which is basic and polar, at codon 1144 of the CARMIL2 protein (p.Arg1144His). This variant is present in population databases (rs764001517, gnomAD 0.003%). This variant has not been reported in the literature in individuals affected with CARMIL2-related conditions. In summary, the available evidence is currently insufficient to determine the role of this variant in disease. Therefore, it has been classified as a Variant of Uncertain Significance.